The following is an entry in ClinVar:

NM_000256.3(MYBPC3):c.2030C>T (p.Pro677Leu)

Gene: MYBPC3 (myosin binding protein C3; minus strand). Cytogenetic location: 11p11.2.
Variant type: single nucleotide variant.
Coding change: c.2030C>T on transcript NM_000256.3 (MANE Select); coding-DNA position 2030, C replaced by T.
Protein change: p.Pro677Leu; replaces proline 677 with leucine.
Molecular consequence: missense variant.
Genome position (GRCh38, 1-based): chr11:47,339,688, G>A on the plus strand (C>T on the coding strand, the complement: MYBPC3 is on the minus strand). VCF-style: chr11-47339688-G-A. GRCh37 (hg19) VCF-style: chr11-47361239-G-A.
Other names: short protein forms P677L.
Identifiers: ClinVar variation 188562 (VCV000188562.7), dbSNP rs786204345, ClinGen allele CA011667.

ClinVar aggregate classification (germline): Uncertain significance. Review status: criteria provided, multiple submitters, no conflicts (2 of 4 stars). 2 submissions from 2 submitters: Uncertain significance (2). Last evaluated 2024-07-19.

Conditions:
Hypertrophic cardiomyopathy 4. Also called: Familial hypertrophic cardiomyopathy 4. Identifiers: MedGen C1861862, MONDO:0007268, OMIM 115197.
Hypertrophic cardiomyopathy. Also called: HYPERTROPHIC MYOCARDIOPATHY. Identifiers: Orphanet 217569, MedGen C0007194, MeSH D002312, MONDO:0005045, HP:0001639.

Allele frequency attached by ClinVar (database versions not stated): gnomAD exomes below 0.00001.
gnomAD v4.1: 1 of 1,612,710 alleles (0.000062%); highest among the groups gnomAD compares: Non-Finnish European, 0.000085%; no homozygotes.

Submissions (2):

Labcorp Genetics (formerly Invitae), Labcorp
Classification: Uncertain significance for Hypertrophic cardiomyopathy. Last evaluated: 2024-07-19. Review status: criteria provided, single submitter. Criteria: Invitae Variant Classification Sherloc (09022015). Collection method: clinical testing. Allele origin: germline.
Comment: This sequence change replaces proline, which is neutral and non-polar, with leucine, which is neutral and non-polar, at codon 677 of the MYBPC3 protein (p.Pro677Leu). This variant is not present in population databases (gnomAD no frequency). This missense change has been observed in individual(s) with hypertrophic cardiomyopathy and/or MYBPC3-related conditions (PMID: 27532257, 33782553, 36252119, 37652022). ClinVar contains an entry for this variant (Variation ID: 188562). An algorithm developed to predict the effect of missense changes on protein structure and function (PolyPhen-2) suggests that this variant is likely to be disruptive. In summary, the available evidence is currently insufficient to determine the role of this variant in disease. Therefore, it has been classified as a Variant of Uncertain Significance.

Agnes Ginges Centre for Molecular Cardiology, Centenary Institute
Classification: Uncertain significance for Hypertrophic cardiomyopathy 4. Last evaluated: 2018-02-20. Review status: criteria provided, single submitter. Criteria: ACMG Guidelines, 2015. Collection method: research. Allele origin: germline. Inheritance: Autosomal dominant inheritance. Affected: yes.
Comment: This MYBPC3 Pro677Leu variant has been reported previously in 1 HCM proband (Walsh R, et al., 2017). This variant is rare and is absent in the Genome Aggregation Database. Computational tools SIFT, MutationTaster and PolyPhen-2 predict this variant to have a deleterious effect. Based on this evidence we classify MYBPC3 Pro677Leu as a variant of "uncertain significance".

Literature cited by the submitters: PubMed 27532257 (cited by Labcorp Genetics (formerly Invitae), Labcorp and Agnes Ginges Centre for Molecular Cardiology, Centenary Institute); PubMed 33782553 (cited by Labcorp Genetics (formerly Invitae), Labcorp); PubMed 36252119 (cited by Labcorp Genetics (formerly Invitae), Labcorp); PubMed 37652022 (cited by Labcorp Genetics (formerly Invitae), Labcorp).